The following is an entry in ClinVar:

ClinVar aggregate classification (germline): Benign/Likely benign. Review status: criteria provided, multiple submitters, no conflicts (2 of 4 stars). 4 submissions from 4 submitters: Benign (2); Likely benign (1). 1 of the submissions does not count toward it. Last evaluated 2026-01-27.

Conditions:
PLOD3-related disorder. Also called: PLOD3-related condition.

Allele frequency attached by ClinVar (database versions not stated): gnomAD exomes 0.00025 and 0.00081; ExAC 0.00107; gnomAD 0.00286 and 0.00305; TOPMed 0.00345; 1000 Genomes Project 0.00399; 1000 Genomes Project 30x 0.00406; ESP Exome Variant Server 0.00446.
gnomAD v4.1: 819 of 1,613,976 alleles (0.051%); highest among the groups gnomAD compares: African/African-American, 0.97%; 2 homozygotes.

Submissions (4):

Labcorp Genetics (formerly Invitae), Labcorp
Classification: Benign. Last evaluated: 2026-01-27. Review status: criteria provided, single submitter. Criteria: Invitae Variant Classification Sherloc (09022015). Collection method: clinical testing. Allele origin: germline.

CeGaT Center for Human Genetics Tuebingen
Classification: Likely benign. Last evaluated: 2024-12-01. Review status: criteria provided, single submitter. Criteria: CeGaT Center For Human Genetics Tuebingen Variant Classification Criteria Version 2. Collection method: clinical testing. Allele origin: germline. Affected: yes. Observed: 1 variant allele.
Comment: PLOD3: BP4

Breakthrough Genomics
Classification: Benign. Review status: criteria provided, single submitter. Criteria: ACMG Guidelines, 2015. Collection method: not provided. Allele origin: germline. Inheritance: Autosomal recessive inheritance. Affected: yes.

PreventionGenetics, part of Exact Sciences
Classification: Benign for PLOD3-related condition. Last evaluated: 2024-02-12. Review status: no assertion criteria provided. Collection method: clinical testing. Allele origin: germline. Not counted in ClinVar's aggregate classification.
Comment: This variant is classified as benign based on ACMG/AMP sequence variant interpretation guidelines (Richards et al. 2015 PMID: 25741868, with internal and published modifications).

NM_001084.5(PLOD3):c.535A>G (p.Ile179Val)

Gene: PLOD3 (procollagen-lysine,2-oxoglutarate 5-dioxygenase 3; minus strand). Cytogenetic location: 7q22.1.
Variant type: single nucleotide variant.
Coding change: c.535A>G on transcript NM_001084.5 (MANE Select); coding-DNA position 535, A replaced by G.
Protein change: p.Ile179Val; replaces isoleucine 179 with valine.
Molecular consequence: missense variant.
Genome position (GRCh38, 1-based): chr7:101,215,988, T>C on the plus strand (A>G on the coding strand, the complement: PLOD3 is on the minus strand). VCF-style: chr7-101215988-T-C. GRCh37 (hg19) VCF-style: chr7-100859269-T-C.
Other names: short protein forms I179V.
Identifiers: ClinVar variation 786550 (VCV000786550.26), dbSNP rs34646598, ClinGen allele CA4408155.